The following is an entry in ClinVar:

NM_000059.4(BRCA2):c.2256C>G (p.Asp752Glu)

Gene: BRCA2 (BRCA2 DNA repair associated; plus strand). Cytogenetic location: 13q13.1.
Variant type: single nucleotide variant.
Coding change: c.2256C>G on transcript NM_000059.4 (MANE Select); coding-DNA position 2256, C replaced by G.
Protein change: p.Asp752Glu; replaces aspartic acid 752 with glutamic acid.
Molecular consequence: missense variant.
Genome position (GRCh38, 1-based): chr13:32,336,611, C>G. VCF-style: chr13-32336611-C-G. GRCh37 (hg19) VCF-style: chr13-32910748-C-G.
Other names: short protein forms D752E.
Identifiers: ClinVar variation 629277 (VCV000629277.7), dbSNP rs766384913, ClinGen allele CA387770955.

ClinVar aggregate classification (germline): Conflicting classifications of pathogenicity. Review status: criteria provided, conflicting classifications (1 of 4 stars). 2 submissions from 2 submitters: Uncertain significance (1); Likely benign (1). Last evaluated 2023-12-05.

Conditions:
Hereditary cancer-predisposing syndrome. Also called: Neoplastic Syndromes, Hereditary; Tumor predisposition; Hereditary neoplastic syndrome; Hereditary Cancer Syndrome. Identifiers: Orphanet 140162, MedGen C0027672, MeSH D009386, MONDO:0015356.

Submissions (2):

Color Diagnostics, LLC DBA Color Health
Classification: Uncertain significance for Hereditary cancer-predisposing syndrome. Last evaluated: 2023-12-05. Review status: criteria provided, single submitter. Criteria: ACMG Guidelines, 2015. Collection method: clinical testing. Allele origin: germline.
Comment: This missense variant replaces aspartic acid with glutamic acid at codon 752 of the BRCA2 protein. Computational prediction suggests that this variant may not impact protein structure and function (internally defined REVEL score threshold <= 0.5, PMID: 27666373). To our knowledge, functional studies have not been reported for this variant. This variant has not been reported in individuals affected with BRCA2-related disorders in the literature. This variant has not been identified in the general population by the Genome Aggregation Database (gnomAD). The available evidence is insufficient to determine the role of this variant in disease conclusively. Therefore, this variant is classified as a Variant of Uncertain Significance.

University of Washington Department of Laboratory Medicine, University of Washington
Classification: Likely benign for Hereditary cancer-predisposing syndrome. Last evaluated: 2023-03-23. Review status: criteria provided, single submitter. Criteria: Dines et al. (Genet Med. 2020). Collection method: curation. Allele origin: germline.
Comment: Missense variant in a coldspot region where missense variants are very unlikely to be pathogenic (PMID:31911673).

BRCA2 exon 11 coldspot. Reclassification based on statistical prior probability.